The following is an entry in ClinVar:

ClinVar aggregate classification (germline): Likely benign (0 of 4 stars; one submission).

Conditions:
SLC27A5-related disorder. Also called: SLC27A5-related condition.

Allele frequency attached by ClinVar (database versions not stated): gnomAD exomes 0.00001; gnomAD 0.00003; 1000 Genomes Project 30x 0.00016; 1000 Genomes Project 0.00020.
gnomAD v4.1: 20 of 1,559,092 alleles (0.0013%); highest among the groups gnomAD compares: East Asian, 0.014%; no homozygotes.

Submission:

PreventionGenetics, part of Exact Sciences
Classification: Likely benign for SLC27A5-related condition. Last evaluated: 2022-07-12. Review status: no assertion criteria provided. Collection method: clinical testing. Allele origin: germline.
Comment: This variant is classified as likely benign based on ACMG/AMP sequence variant interpretation guidelines (Richards et al. 2015 PMID: 25741868, with internal and published modifications).

NM_012254.3(SLC27A5):c.129C>T (p.Cys43=)

Gene: SLC27A5 (solute carrier family 27 member 5; minus strand). Cytogenetic location: 19q13.43.
Variant type: single nucleotide variant.
Coding change: c.129C>T on transcript NM_012254.3 (MANE Select); coding-DNA position 129, C replaced by T.
Protein change: p.Cys43=; no amino-acid change (cysteine 43 retained).
Molecular consequence: synonymous variant.
Genome position (GRCh38, 1-based): chr19:58,511,827, G>A on the plus strand (C>T on the coding strand, the complement: SLC27A5 is on the minus strand). VCF-style: chr19-58511827-G-A. GRCh37 (hg19) VCF-style: chr19-59023194-G-A.
Other names: c.129C>T, p.Cys43= (NM_001321196.2).
Identifiers: ClinVar variation 3029634 (VCV003029634.2), dbSNP rs201065120, ClinGen allele CA9718346.
Genomic context (GRCh38, chr19:58,511,827, plus strand): 5'-CCCATGGGGCACCCAGGGGCCGAGCCAGGGCCGTGCTAACATGGCCAGCCCAAGTAGCAC[G>A]CAACATGTGGGATCCCCCAGGAGCCAGCGCAGGGTCAAGGCCACAGCGACTGGCCACACT-3'
Protein context (NP_036386.1, residues 33-53): LRWLLGDPTC[Cys43=]VLLGLAMLAR